The following is an entry in ClinVar:

ClinVar aggregate classification (germline): Uncertain significance (1 of 4 stars; one submission).

Conditions:
Amyotrophic lateral sclerosis type 8 (ALS8). Identifiers: Orphanet 803, MedGen C1837728, MONDO:0012077, OMIM 608627.
Adult-onset proximal spinal muscular atrophy, autosomal dominant. Also called: FINKEL LATE-ADULT TYPE SMA; Spinal muscular atrophy, late-onset, finkel type. Identifiers: Orphanet 209335, MedGen C1854058, MONDO:0008453, OMIM 182980.

Submission:

Labcorp Genetics (formerly Invitae), Labcorp
Classification: Uncertain significance for Adult-onset proximal spinal muscular atrophy, autosomal dominant; Amyotrophic lateral sclerosis type 8. Last evaluated: 2023-02-20. Review status: criteria provided, single submitter. Criteria: Invitae Variant Classification Sherloc (09022015). Collection method: clinical testing. Allele origin: germline.
Comment: In summary, the available evidence is currently insufficient to determine the role of this variant in disease. Therefore, it has been classified as a Variant of Uncertain Significance. Variants that disrupt the consensus splice site are a relatively common cause of aberrant splicing (PMID: 17576681, 9536098). Algorithms developed to predict the effect of sequence changes on RNA splicing suggest that this variant may disrupt the consensus splice site. This variant has not been reported in the literature in individuals affected with VAPB-related conditions. This variant is not present in population databases (gnomAD no frequency). This sequence change falls in intron 4 of the VAPB gene. It does not directly change the encoded amino acid sequence of the VAPB protein. It affects a nucleotide within the consensus splice site.

Literature cited by the submitters: PubMed 17576681; PubMed 9536098.

NM_004738.5(VAPB):c.396+6T>C

Gene: VAPB (VAMP associated protein B and C; plus strand). Cytogenetic location: 20q13.32.
Variant type: single nucleotide variant.
Coding change: c.396+6T>C on transcript NM_004738.5 (MANE Select); 6 bases into the intron after coding-DNA position 396, T replaced by C.
Molecular consequence: intron variant.
Genome position (GRCh38, 1-based): chr20:58,439,031, T>C. VCF-style: chr20-58439031-T-C. GRCh37 (hg19) VCF-style: chr20-57014087-T-C.
Other names: c.212-5046T>C (NM_001195677.2).
Identifiers: ClinVar variation 2944536 (VCV002944536.3), dbSNP rs2516062261, ClinGen allele CA2740094601.
Genomic context (GRCh38, chr20:58,439,031, plus strand): 5'-TATGGATTCAAAACTTAGATGTGTGTTTGAATTGCCAGCAGAGAATGATAAACCAGTAAG[T>C]ATATTTATAGTTAACAATAATTGAATGTTGTAAGCTGATACTTATTTGCATACCATTTCC-3'